The following is an entry in ClinVar:

ClinVar aggregate classification (germline): Uncertain significance (1 of 4 stars; one submission).

Conditions:
Emery-Dreifuss muscular dystrophy 4, autosomal dominant (EDMD4). Also called: EMERY-DREIFUSS MUSCULAR DYSTROPHY 4 WITH VARIABLE FEATURES. Identifiers: Orphanet 261, MedGen C2751807, MONDO:0013071, OMIM 612998.
Autosomal recessive ataxia, Beauce type. Also called: SYNE1-Related Autosomal Recessive Cerebellar Ataxia; SYNE1 Deficiency; Spinocerebellar ataxia, autosomal recessive 8; ATAXIA, RECESSIVE, OF BEAUCE. Identifiers: Orphanet 88644, MedGen C1853116, MONDO:0012549, OMIM 610743.

Submission:

Labcorp Genetics (formerly Invitae), Labcorp
Classification: Uncertain significance for Emery-Dreifuss muscular dystrophy 4, autosomal dominant; Autosomal recessive ataxia, Beauce type. Last evaluated: 2023-11-27. Review status: criteria provided, single submitter. Criteria: Invitae Variant Classification Sherloc (09022015). Collection method: clinical testing. Allele origin: germline.
Comment: This sequence change replaces arginine, which is basic and polar, with glycine, which is neutral and non-polar, at codon 5123 of the SYNE1 protein (p.Arg5123Gly). This variant is not present in population databases (gnomAD no frequency). This variant has not been reported in the literature in individuals affected with SYNE1-related conditions. ClinVar contains an entry for this variant (Variation ID: 1714527). An algorithm developed to predict the effect of missense changes on protein structure and function (PolyPhen-2) suggests that this variant is likely to be disruptive. In summary, the available evidence is currently insufficient to determine the role of this variant in disease. Therefore, it has been classified as a Variant of Uncertain Significance.

NM_182961.4(SYNE1):c.15580C>G (p.Arg5194Gly)

Gene: SYNE1 (spectrin repeat containing nuclear envelope protein 1; minus strand). Cytogenetic location: 6q25.2.
Variant type: single nucleotide variant.
Coding change: c.15580C>G on transcript NM_182961.4 (MANE Select); coding-DNA position 15580, C replaced by G.
Protein change: p.Arg5194Gly; replaces arginine 5194 with glycine.
Molecular consequence: missense variant.
Genome position (GRCh38, 1-based): chr6:152,325,161, G>C on the plus strand (C>G on the coding strand, the complement: SYNE1 is on the minus strand). VCF-style: chr6-152325161-G-C. GRCh37 (hg19) VCF-style: chr6-152646296-G-C.
Other names: c.15367C>G, p.Arg5123Gly (NM_033071.5); short protein forms R5123G, R5194G.
Identifiers: ClinVar variation 1714527 (VCV001714527.3), dbSNP rs757086609, ClinGen allele CA366091063.
Genomic context (GRCh38, chr6:152,325,161, plus strand): 5'-TCCACTCATCCACTGCATCTTCCAGGATCTTCTCCTGGTCCTGGGCCACAGCTCGAAGGC[G>C]TGTCCAGCGCTGCCAGACGGTGGTCATTGACCTGCTCAGGGTGGCTTTGCTGGCATCATT-3'
Protein context (NP_892006.3, residues 5184-5204): SMTTVWQRWT[Arg5194Gly]LRAVAQDQEK